The following is an entry in ClinVar:

ClinVar aggregate classification (germline): Uncertain significance (1 of 4 stars; one submission).

gnomAD v4.1: 3 of 1,614,124 alleles (0.00019%); highest among the groups gnomAD compares: Non-Finnish European, 0.00025%; no homozygotes.

Submission:

GeneDx
Classification: Uncertain significance. Last evaluated: 2026-03-31. Review status: criteria provided, single submitter. Criteria: GeneDx Variant Classification Process June 2021. Collection method: clinical testing. Allele origin: germline.
Comment: Not observed at significant frequency in large population cohorts (gnomAD); In silico analysis suggests that this missense variant does not alter protein structure/function; Has not been previously published as pathogenic or benign to our knowledge

NM_012123.4(MTO1):c.98G>C (p.Arg33Pro)

Gene: MTO1 (mitochondrial tRNA translation optimization 1; plus strand). Cytogenetic location: 6q13.
Variant type: single nucleotide variant.
Coding change: c.98G>C on transcript NM_012123.4 (MANE Select); coding-DNA position 98, G replaced by C.
Protein change: p.Arg33Pro; replaces arginine 33 with proline.
Molecular consequence: missense variant.
Genome position (GRCh38, 1-based): chr6:73,461,952, G>C. VCF-style: chr6-73461952-G-C. GRCh37 (hg19) VCF-style: chr6-74171675-G-C.
Other names: c.98G>C, p.Arg33Pro (NM_001123226.2, NM_133645.3); short protein forms R33P.
Identifiers: ClinVar variation 5016984 (VCV005016984.1).